The following is an entry in ClinVar:

NM_053025.4(MYLK):c.5541_5544del (p.Ile1849fs)

Genes: MYLK (myosin light chain kinase; minus strand), MYLK-AS1 (MYLK antisense RNA 1; plus strand). Cytogenetic location: 3q21.1.
Variant type: Deletion.
Coding change: c.5541_5544del on transcript NM_053025.4 (MANE Select); coding-DNA positions 5541 to 5544, 4 bases deleted (GTCA; older notation c.5541_5544delGTCA).
Protein change: p.Ile1849fs; shifts the reading frame from isoleucine 1849.
Molecular consequence: frameshift variant.
Genome position (GRCh38, 1-based): chr3:123,614,306-123,614,309, TGAC deleted on the plus strand (GTCA on the coding strand, the reverse complement: MYLK is on the minus strand); deleting any 4 consecutive bases within chr3:123,614,306-123,614,311 gives the same sequence; the c. name uses the placement nearest the transcript's 3' end. VCF-style (leftmost placement, unchanged base first): chr3-123614305-TTGAC-T. GRCh37 (hg19) VCF-style: chr3-123333152-TTGAC-T.
Other names: c.5013_5016del, p.Ile1673fs (NM_001321309.2); c.5334_5337del, p.Ile1780fs (NM_053026.4); c.5388_5391del, p.Ile1798fs (NM_053027.4); c.5181_5184del, p.Ile1729fs (NM_053028.4); c.258_261del, p.Ile88fs (NM_053031.4); c.261_264del, p.Ile89fs (NM_053032.4); short protein forms I1729fs, I1673fs, I1849fs, I88fs, I1780fs, I1798fs, I89fs.
Identifiers: ClinVar variation 850865 (VCV000850865.10), dbSNP rs2057343514, ClinGen allele CA916082598.

ClinVar aggregate classification (germline): Uncertain significance (1 of 4 stars; one submission).

Conditions:
Aortic aneurysm, familial thoracic 7 (AAT7). Also called: AORTIC DISSECTION, FAMILIAL, WITH OR WITHOUT AORTIC ANEURYSM. Identifiers: MedGen C3151077, MONDO:0013418, OMIM 613780.

Submission:

Labcorp Genetics (formerly Invitae), Labcorp
Classification: Uncertain significance for Aortic aneurysm, familial thoracic 7. Last evaluated: 2025-02-23. Review status: criteria provided, single submitter. Criteria: Invitae Variant Classification Sherloc (09022015). Collection method: clinical testing. Allele origin: germline.
Comment: This sequence change creates a premature translational stop signal (p.Ile1849Glyfs*8) in the MYLK gene. While this is not anticipated to result in nonsense mediated decay, it is expected to disrupt the last 66 amino acid(s) of the MYLK protein. This variant is not present in population databases (gnomAD no frequency). This premature translational stop signal has been observed in individual(s) with clinical features of MYLK-related conditions (internal data). ClinVar contains an entry for this variant (Variation ID: 850865). Experimental studies and prediction algorithms are not available or were not evaluated, and the functional significance of this variant is currently unknown. This variant disrupts a region of the MYLK protein in which other variant(s) (p.Ala1884Thr) have been observed in individuals with MYLK-related conditions (PMID: 29543232). This suggests that this is a clinically significant region of the protein, and that variants that disrupt it are likely to be disease-causing. In summary, the available evidence is currently insufficient to determine the role of this variant in disease. Therefore, it has been classified as a Variant of Uncertain Significance.

Literature cited by the submitters: PubMed 29543232.